The following is an entry in ClinVar:

ClinVar aggregate classification (germline): Uncertain significance (1 of 4 stars; one submission).

Conditions:
SRD5A3-congenital disorder of glycosylation. Also called: COLOBOMA, OCULAR, WITH ICHTHYOSIS, BRAIN MALFORMATIONS, AND ENDOCRINE ABNORMALITIES; SRD5A3-CDG; CDG Iq; Ocular colobomas, ichthyosis, brain malformations and endocrine abnormalities; Congenital disorder of glycosylation type 1Q. Identifiers: Orphanet 324737, MedGen C4317224, MONDO:0012885, OMIM 612379.

Submission:

Labcorp Genetics (formerly Invitae), Labcorp
Classification: Uncertain significance for SRD5A3-congenital disorder of glycosylation. Last evaluated: 2022-08-23. Review status: criteria provided, single submitter. Criteria: Invitae Variant Classification Sherloc (09022015). Collection method: clinical testing. Allele origin: germline.
Comment: Algorithms developed to predict the effect of missense changes on protein structure and function are either unavailable or do not agree on the potential impact of this missense change (SIFT: "Tolerated"; PolyPhen-2: "Possibly Damaging"; Align-GVGD: "Class C0"). In summary, the available evidence is currently insufficient to determine the role of this variant in disease. Therefore, it has been classified as a Variant of Uncertain Significance. ClinVar contains an entry for this variant (Variation ID: 1366417). This variant has not been reported in the literature in individuals affected with SRD5A3-related conditions. This variant is not present in population databases (gnomAD no frequency). This sequence change replaces leucine, which is neutral and non-polar, with phenylalanine, which is neutral and non-polar, at codon 205 of the SRD5A3 protein (p.Leu205Phe).

NM_024592.5(SRD5A3):c.613C>T (p.Leu205Phe)

Genes: SRD5A3 (steroid 5 alpha-reductase 3; plus strand), SRD5A3-AS1 (SRD5A3 antisense RNA 1; minus strand). Cytogenetic location: 4q12.
Variant type: single nucleotide variant.
Coding change: c.613C>T on transcript NM_024592.5 (MANE Select); coding-DNA position 613, C replaced by T.
Protein change: p.Leu205Phe; replaces leucine 205 with phenylalanine.
Molecular consequence: missense variant.
Genome position (GRCh38, 1-based): chr4:55,367,638, C>T. VCF-style: chr4-55367638-C-T. GRCh37 (hg19) VCF-style: chr4-56233805-C-T.
Other names: short protein forms L205F.
Identifiers: ClinVar variation 1366417 (VCV001366417.6), dbSNP rs1719953488, ClinGen allele CA356957805.